The following is an entry in ClinVar:

NM_004341.5(CAD):c.4109T>C (p.Val1370Ala)

Gene: CAD (carbamoyl-phosphate synthetase 2, aspartate transcarbamylase, and dihydroorotase; plus strand). Cytogenetic location: 2p23.3.
Variant type: single nucleotide variant.
Coding change: c.4109T>C on transcript NM_004341.5 (MANE Select); coding-DNA position 4109, T replaced by C.
Protein change: p.Val1370Ala; replaces valine 1370 with alanine.
Molecular consequence: missense variant.
Genome position (GRCh38, 1-based): chr2:27,236,318, T>C. VCF-style: chr2-27236318-T-C. GRCh37 (hg19) VCF-style: chr2-27459186-T-C.
Other names: c.3920T>C, p.Val1307Ala (NM_001306079.2); c.4109T>C (NM_004341.3); short protein forms V1307A, V1370A.
Identifiers: ClinVar variation 1970254 (VCV001970254.6), dbSNP rs745960004, ClinGen allele CA1573445.

ClinVar aggregate classification (germline): Uncertain significance. Review status: criteria provided, multiple submitters, no conflicts (2 of 4 stars). 2 submissions from 2 submitters: Uncertain significance (2). Last evaluated 2025-08-30.

Conditions:
Inborn genetic diseases. Identifiers: MedGen C0950123, MeSH D030342.

Allele frequency attached by ClinVar (database versions not stated): ExAC 0.00001; gnomAD 0.00001; TOPMed 0.00002.
gnomAD v4.1: 3 of 1,614,018 alleles (0.00019%); highest among the groups gnomAD compares: African/African-American, 0.0027%; no homozygotes.

Submissions (2):

Ambry Genetics
Classification: Uncertain significance for Inborn genetic diseases. Last evaluated: 2025-08-30. Review status: criteria provided, single submitter. Criteria: Ambry Variant Classification Scheme 2023. Collection method: clinical testing. Allele origin: germline.

Labcorp Genetics (formerly Invitae), Labcorp
Classification: Uncertain significance. Last evaluated: 2022-04-11. Review status: criteria provided, single submitter. Criteria: Invitae Variant Classification Sherloc (09022015). Collection method: clinical testing. Allele origin: germline.
Comment: This sequence change replaces valine, which is neutral and non-polar, with alanine, which is neutral and non-polar, at codon 1370 of the CAD protein (p.Val1370Ala). This variant is present in population databases (rs745960004, gnomAD 0.007%). This variant has not been reported in the literature in individuals affected with CAD-related conditions. Algorithms developed to predict the effect of missense changes on protein structure and function (SIFT, PolyPhen-2, Align-GVGD) all suggest that this variant is likely to be tolerated. In summary, the available evidence is currently insufficient to determine the role of this variant in disease. Therefore, it has been classified as a Variant of Uncertain Significance.